The following is an entry in ClinVar:

ClinVar aggregate classification (germline): Uncertain significance (1 of 4 stars; one submission).

Allele frequency attached by ClinVar (database versions not stated): gnomAD exomes 0.00001.
gnomAD v4.1: 8 of 1,613,746 alleles (0.0005%); highest among the groups gnomAD compares: Non-Finnish European, 0.00059%; no homozygotes.

Submission:

Labcorp Genetics (formerly Invitae), Labcorp
Classification: Uncertain significance. Last evaluated: 2017-09-23. Review status: criteria provided, single submitter. Criteria: Invitae Variant Classification Sherloc (09022015). Collection method: clinical testing. Allele origin: germline.
Comment: This variant has not been reported in the literature in individuals with DYX1C1-related disease. In summary, the available evidence is currently insufficient to determine the role of this variant in disease. Therefore, it has been classified as a Variant of Uncertain Significance. Algorithms developed to predict the effect of missense changes on protein structure and function (SIFT, PolyPhen-2, Align-GVGD) all suggest that this variant is likely to be tolerated, but these predictions have not been confirmed by published functional studies and their clinical significance is uncertain. This variant is not present in population databases (ExAC no frequency). This sequence change replaces alanine with valine at codon 107 of the DYX1C1 protein (p.Ala107Val). The alanine residue is moderately conserved and there is a small physicochemical difference between alanine and valine.

NM_130810.4(DNAAF4):c.320C>T (p.Ala107Val)

Genes: DNAAF4 (dynein axonemal assembly factor 4; minus strand), DNAAF4-CCPG1 (DNAAF4-CCPG1 readthrough (NMD candidate); minus strand). Cytogenetic location: 15q21.3.
Variant type: single nucleotide variant.
Coding change: c.320C>T on transcript NM_130810.4 (MANE Select); coding-DNA position 320, C replaced by T.
Protein change: p.Ala107Val; replaces alanine 107 with valine.
Molecular consequence: missense variant. On other transcripts: non-coding transcript variant (1).
Genome position (GRCh38, 1-based): chr15:55,491,208, G>A on the plus strand (C>T on the coding strand, the complement: DNAAF4 is on the minus strand). VCF-style: chr15-55491208-G-A. GRCh37 (hg19) VCF-style: chr15-55783406-G-A.
Other names: c.320C>T, p.Ala107Val (NM_001033559.3, NM_001033560.2); short protein forms A107V.
Identifiers: ClinVar variation 525231 (VCV000525231.8), dbSNP rs1258422916, ClinGen allele CA392551546.